The following is an entry in ClinVar:

ClinVar aggregate classification (germline): Uncertain significance. Review status: criteria provided, multiple submitters, no conflicts (2 of 4 stars). 2 submissions from 2 submitters: Uncertain significance (2). Last evaluated 2023-10-16.

Allele frequency attached by ClinVar (database versions not stated): gnomAD exomes below 0.00001.
gnomAD v4.1: 2 of 1,612,724 alleles (0.00012%); highest among the groups gnomAD compares: Admixed American, 0.0017%; no homozygotes.

Submissions (2):

Labcorp Genetics (formerly Invitae), Labcorp
Classification: Uncertain significance. Last evaluated: 2023-10-16. Review status: criteria provided, single submitter. Criteria: Invitae Variant Classification Sherloc (09022015). Collection method: clinical testing. Allele origin: germline.
Comment: This sequence change replaces valine, which is neutral and non-polar, with methionine, which is neutral and non-polar, at codon 136 of the GABRB1 protein (p.Val136Met). This variant is present in population databases (no rsID available, gnomAD 0.003%). This variant has not been reported in the literature in individuals affected with GABRB1-related conditions. ClinVar contains an entry for this variant (Variation ID: 1428515). Advanced modeling of protein sequence and biophysical properties (such as structural, functional, and spatial information, amino acid conservation, physicochemical variation, residue mobility, and thermodynamic stability) performed at Invitae indicates that this missense variant is not expected to disrupt GABRB1 protein function. In summary, the available evidence is currently insufficient to determine the role of this variant in disease. Therefore, it has been classified as a Variant of Uncertain Significance.

Ambry Genetics
Classification: Uncertain significance. Last evaluated: 2022-07-12. Review status: criteria provided, single submitter. Criteria: Ambry Variant Classification Scheme 2023. Collection method: clinical testing. Allele origin: germline.

NM_000812.4(GABRB1):c.406G>A (p.Val136Met)

Gene: GABRB1 (gamma-aminobutyric acid type A receptor subunit beta1; plus strand). Cytogenetic location: 4p12.
Variant type: single nucleotide variant.
Coding change: c.406G>A on transcript NM_000812.4 (MANE Select); coding-DNA position 406, G replaced by A.
Protein change: p.Val136Met; replaces valine 136 with methionine.
Molecular consequence: missense variant.
Genome position (GRCh38, 1-based): chr4:47,161,414, G>A. VCF-style: chr4-47161414-G-A. GRCh37 (hg19) VCF-style: chr4-47163431-G-A.
Other names: c.406G>A (NM_000812.3); short protein forms V136M.
Identifiers: ClinVar variation 1428515 (VCV001428515.9), dbSNP rs1349038527, ClinGen allele CA356806068.